The following is an entry in ClinVar:

NM_003458.4(BSN):c.990C>T (p.Thr330=)

Gene: BSN (bassoon presynaptic cytomatrix protein; plus strand). Cytogenetic location: 3p21.31.
Variant type: single nucleotide variant.
Coding change: c.990C>T on transcript NM_003458.4 (MANE Select); coding-DNA position 990, C replaced by T.
Protein change: p.Thr330=; no amino-acid change (threonine 330 retained).
Molecular consequence: synonymous variant.
Genome position (GRCh38, 1-based): chr3:49,642,624, C>T. VCF-style: chr3-49642624-C-T. GRCh37 (hg19) VCF-style: chr3-49680057-C-T.
Identifiers: ClinVar variation 3034167 (VCV003034167.2), dbSNP rs150958807, ClinGen allele CA2399502.

ClinVar aggregate classification (germline): Likely benign (0 of 4 stars; one submission).

Conditions:
BSN-related disorder. Also called: BSN-related condition.

Allele frequency attached by ClinVar (database versions not stated): ESP Exome Variant Server 0.00008; TOPMed 0.00021; gnomAD 0.00034; gnomAD exomes 0.00046; 1000 Genomes Project 0.00060; 1000 Genomes Project 30x 0.00078; ExAC 0.00094.
gnomAD v4.1: 727 of 1,602,236 alleles (0.045%); highest among the groups gnomAD compares: South Asian, 0.56%; 3 homozygotes.

Submission:

PreventionGenetics, part of Exact Sciences
Classification: Likely benign for BSN-related condition. Last evaluated: 2019-08-26. Review status: no assertion criteria provided. Collection method: clinical testing. Allele origin: germline.
Comment: This variant is classified as likely benign based on ACMG/AMP sequence variant interpretation guidelines (Richards et al. 2015 PMID: 25741868, with internal and published modifications).